The following is an entry in ClinVar:

NM_001312673.2(PCYT1A):c.935dup (p.Ala313fs)

Gene: PCYT1A (phosphate cytidylyltransferase 1A, choline; minus strand). Cytogenetic location: 3q29.
Variant type: Duplication.
Coding change: c.935dup on transcript NM_001312673.2 (MANE Select); coding-DNA position 935, one base duplicated (A; older notation c.935dupA).
Protein change: p.Ala313fs; shifts the reading frame from alanine 313.
Molecular consequence: frameshift variant.
Genome position (GRCh38, 1-based): chr3:196,238,857, T duplicated on the plus strand (A on the coding strand, the reverse complement: PCYT1A is on the minus strand). VCF-style (leftmost placement, unchanged base first): chr3-196238856-C-CT. GRCh37 (hg19) VCF-style: chr3-195965727-C-CT.
Other names: c.935dup, p.Ala313fs (NM_005017.4); short protein forms A313fs.
Identifiers: ClinVar variation 2431393 (VCV002431393.1), dbSNP rs2474015361, ClinGen allele CA2580070594.

ClinVar aggregate classification (germline): Likely pathogenic (1 of 4 stars; one submission).

Conditions:
Spondylometaphyseal dysplasia-cone-rod dystrophy syndrome. Identifiers: Orphanet 85167, MedGen C1837073, MONDO:0012160, OMIM 608940.

Allele frequency attached by ClinVar (database versions not stated): gnomAD exomes below 0.00001.

Submission:

Laboratorio de Genetica e Diagnostico Molecular, Hospital Israelita Albert Einstein
Classification: Likely pathogenic for Spondylometaphyseal dysplasia-cone-rod dystrophy syndrome. Last evaluated: 2022-04-18. Review status: criteria provided, single submitter. Criteria: ACMG Guidelines, 2015. Collection method: clinical testing. Allele origin: germline. Affected: yes. Observed: 1 variant allele.
Comment: ACMG classification criteria: PVS1 strong, PM2 moderated